The following is an entry in ClinVar:

ClinVar aggregate classification (germline): Pathogenic. Review status: criteria provided, multiple submitters, no conflicts (2 of 4 stars). 2 submissions from 2 submitters: Pathogenic (2). Last evaluated 2024-09-16.

Conditions:
DMD-related disorder. Also called: DMD-related condition.

Submissions (3):

Athena Diagnostics
Classification: Pathogenic. Last evaluated: 2024-09-16. Review status: criteria provided, single submitter. Criteria: Athena Diagnostics Criteria. Collection method: clinical testing. Allele origin: unknown.
Comment: This variant is expected to severely impact normal RNA splicing, and consequently, protein structure and/or function. This variant has not been reported in large, multi-ethnic general populations. This variant has been identified in at least one individual with DMD.

PreventionGenetics, part of Exact Sciences
Classification: Pathogenic for DMD-related condition. Last evaluated: 2023-08-01. Review status: criteria provided, single submitter. Criteria: ACMG Guidelines, 2015. Collection method: clinical testing. Allele origin: germline.
Comment: The DMD c.2293-2A>G variant is predicted to disrupt the AG splice acceptor site and interfere with normal splicing. This variant was reported in an individual with Duchenne muscular dystrophy (Luce et al. 2018. PubMed ID: 30342905). In addition, numerous other variants altering this canonical splice junction have also been reported in affected individuals (Human Gene Mutation Database; Kumar et al. 2020. PubMed ID: 32559196). This variant has not been reported in a large population database, indicating this variant is rare. Variants that disrupt the consensus splice acceptor site in DMD are expected to be pathogenic. This variant is interpreted as pathogenic.

Dr. Peter K. Rogan Lab, Western University
No classification provided (evidence only). Condition: Nonpapillary renal cell carcinoma. Review status: no classification provided. Collection method: in vitro. Allele origin: not applicable. Functional consequence: retained intron. Not counted in ClinVar's aggregate classification.

Literature cited by the submitters: PubMed 30342905 (cited by Athena Diagnostics).

NM_004006.3(DMD):c.2293-2A>G

Gene: DMD (dystrophin; minus strand). Cytogenetic location: Xp21.1.
Variant type: single nucleotide variant.
Coding change: c.2293-2A>G on transcript NM_004006.3 (MANE Select); the canonical splice acceptor site of the intron before coding-DNA position 2293, A replaced by G.
Molecular consequence: splice acceptor variant.
Genome position (GRCh38, 1-based): chrX:32,501,844, T>C on the plus strand (A>G on the coding strand, the complement: DMD is on the minus strand). VCF-style: chrX-32501844-T-C. GRCh37 (hg19) VCF-style: chrX-32519961-T-C.
Other names: NC_000023.10:g.32519961T>C; c.2269-2A>G (NM_000109.4); c.2281-2A>G (NM_004009.3); c.1924-2A>G (NM_004010.3).
Identifiers: ClinVar variation 2631358 (VCV002631358.3), dbSNP rs2148691779, ClinGen allele CA412673736.
Genomic context (GRCh38, chrX:32,501,844, plus strand): 5'-GCTGATCTGCTGGCATCTTGCAGTTTTCTGAACTTCTCAGCTTTTTCTCGCTCTATGGCC[T>C]GCAGCATGAGAGCAAAGATGAGTAATTCAATACAAGGACTGTGAATCTACACAATAATTA-3'